The following is an entry in ClinVar:

NM_015909.4(NBAS):c.6711+5G>T

Gene: NBAS (NBAS subunit of NRZ tethering complex; minus strand). Cytogenetic location: 2p24.3.
Variant type: single nucleotide variant.
Coding change: c.6711+5G>T on transcript NM_015909.4 (MANE Select); 5 bases into the intron after coding-DNA position 6711, G replaced by T.
Molecular consequence: intron variant.
Genome position (GRCh38, 1-based): chr2:15,186,737, C>A on the plus strand (G>T on the coding strand, the complement: NBAS is on the minus strand). VCF-style: chr2-15186737-C-A. GRCh37 (hg19) VCF-style: chr2-15326861-C-A.
Identifiers: ClinVar variation 1359216 (VCV001359216.6), dbSNP rs2125132602, ClinGen allele CA2573133102.

ClinVar aggregate classification (germline): Uncertain significance (1 of 4 stars; one submission).

Allele frequency attached by ClinVar (database versions not stated): gnomAD exomes below 0.00001.
gnomAD v4.1: 2 of 1,613,826 alleles (0.00012%); highest among the groups gnomAD compares: South Asian, 0.0022%; no homozygotes.

Submission:

Labcorp Genetics (formerly Invitae), Labcorp
Classification: Uncertain significance. Last evaluated: 2021-05-20. Review status: criteria provided, single submitter. Criteria: Invitae Variant Classification Sherloc (09022015). Collection method: clinical testing. Allele origin: germline.
Comment: This sequence change falls in intron 50 of the NBAS gene. It does not directly change the encoded amino acid sequence of the NBAS protein. It affects a nucleotide within the consensus splice site of the intron. This variant is not present in population databases (ExAC no frequency). This variant has not been reported in the literature in individuals with NBAS-related conditions. Nucleotide substitutions within the consensus splice site are a relatively common cause of aberrant splicing (PMID: 17576681, 9536098). Algorithms developed to predict the effect of sequence changes on RNA splicing suggest that this variant may disrupt the consensus splice site, but this prediction has not been confirmed by published transcriptional studies. In summary, the available evidence is currently insufficient to determine the role of this variant in disease. Therefore, it has been classified as a Variant of Uncertain Significance.

Literature cited by the submitters: PubMed 17576681; PubMed 9536098.